The following is an entry in ClinVar:

NM_001386140.1(MTTP):c.904_909+2del

Gene: MTTP (microsomal triglyceride transfer protein; plus strand). Cytogenetic location: 4q23.
Variant type: Deletion.
Coding change: c.904_909+2del on transcript NM_001386140.1 (MANE Select); coding-DNA position 904 through the canonical splice donor site of the intron after coding-DNA position 909, 8 bases deleted (CCTTCTGT; older notation c.904_909+2delCCTTCTGT).
Molecular consequence: splice donor variant.
Genome position (GRCh38, 1-based): chr4:99,594,878-99,594,885, CCTTCTGT deleted; deleting any 8 consecutive bases within chr4:99,594,875-99,594,885 gives the same sequence; the c. name uses the placement nearest the transcript's 3' end. VCF-style (leftmost placement, unchanged base first): chr4-99594874-ATGTCCTTC-A. GRCh37 (hg19) VCF-style: chr4-100516031-ATGTCCTTC-A.
Other names: c.904_909+2del (NM_000253.4); c.655_660+2del (NM_001300785.2).
Identifiers: ClinVar variation 4731969 (VCV004731969.1).

ClinVar aggregate classification (germline): Likely pathogenic (1 of 4 stars; one submission).

Submission:

Labcorp Genetics (formerly Invitae), Labcorp
Classification: Likely pathogenic. Last evaluated: 2026-01-19. Review status: criteria provided, single submitter. Criteria: Invitae Variant Classification Sherloc (09022015). Collection method: clinical testing. Allele origin: germline.
Comment: This sequence change affects a splice site in intron 8 of the MTTP gene. It is expected to disrupt RNA splicing. Variants that disrupt the donor or acceptor splice site typically lead to a loss of protein function (PMID: 16199547), and loss-of-function variants in MTTP are known to be pathogenic (PMID: 8533758, 9671739). This variant is not present in population databases (gnomAD no frequency). This variant has not been reported in the literature in individuals affected with MTTP-related conditions. In summary, the currently available evidence indicates that the variant is pathogenic, but additional data are needed to prove that conclusively. Therefore, this variant has been classified as Likely Pathogenic.

Literature cited by the submitters: PubMed 16199547; PubMed 8533758; PubMed 9671739.